The following is an entry in ClinVar:

NM_005502.4(ABCA1):c.3787+5C>A

Gene: ABCA1 (ATP binding cassette subfamily A member 1; minus strand). Cytogenetic location: 9q31.1.
Variant type: single nucleotide variant.
Coding change: c.3787+5C>A on transcript NM_005502.4 (MANE Select); 5 bases into the intron after coding-DNA position 3787, C replaced by A.
Molecular consequence: intron variant.
Genome position (GRCh38, 1-based): chr9:104,814,422, G>T on the plus strand (C>A on the coding strand, the complement: ABCA1 is on the minus strand). VCF-style: chr9-104814422-G-T. GRCh37 (hg19) VCF-style: chr9-107576703-G-T.
Other names: c.3787+5C>A (NM_005502.3).
Identifiers: ClinVar variation 1363327 (VCV001363327.4), dbSNP rs371940418, ClinGen allele CA197378566.

ClinVar aggregate classification (germline): Uncertain significance. Review status: criteria provided, multiple submitters, no conflicts (2 of 4 stars). 2 submissions from 2 submitters: Uncertain significance (2). Last evaluated 2024-01-24.

Conditions:
Cardiovascular phenotype. Identifiers: MedGen CN230736.

Allele frequency attached by ClinVar (database versions not stated): gnomAD exomes below 0.00001; gnomAD 0.00001; TOPMed 0.00001; ESP Exome Variant Server 0.00015.
gnomAD v4.1: 8 of 1,613,986 alleles (0.0005%); highest among the groups gnomAD compares: Non-Finnish European, 0.00059%; no homozygotes.

Submissions (2):

Ambry Genetics
Classification: Uncertain significance for Cardiovascular phenotype. Last evaluated: 2024-01-24. Review status: criteria provided, single submitter. Criteria: Ambry Variant Classification Scheme 2023. Collection method: clinical testing. Allele origin: germline.
Comment: The c.3787+5C>A intronic variant results from a C to A substitution 5 nucleotides after coding exon 25 in the ABCA1 gene. This nucleotide position is not well conserved in available vertebrate species. In silico splice site analysis predicts that this alteration will not have any significant effect on splicing. Based on the available evidence, the clinical significance of this alteration remains unclear.

Labcorp Genetics (formerly Invitae), Labcorp
Classification: Uncertain significance. Last evaluated: 2021-10-15. Review status: criteria provided, single submitter. Criteria: Invitae Variant Classification Sherloc (09022015). Collection method: clinical testing. Allele origin: germline.
Comment: This sequence change falls in intron 26 of the ABCA1 gene. It does not directly change the encoded amino acid sequence of the ABCA1 protein. It affects a nucleotide within the consensus splice site of the intron. This variant is not present in population databases (ExAC no frequency). This variant has not been reported in the literature in individuals with ABCA1-related conditions. Nucleotide substitutions within the consensus splice site are a relatively common cause of aberrant splicing (PMID: 17576681, 9536098). Algorithms developed to predict the effect of sequence changes on RNA splicing suggest that this variant is not likely to affect RNA splicing, but this prediction has not been confirmed by published transcriptional studies. In summary, the available evidence is currently insufficient to determine the role of this variant in disease. Therefore, it has been classified as a Variant of Uncertain Significance.

Literature cited by the submitters: PubMed 17576681 (cited by Labcorp Genetics (formerly Invitae), Labcorp); PubMed 9536098 (cited by Labcorp Genetics (formerly Invitae), Labcorp).